The following is an entry in ClinVar:

ClinVar aggregate classification (germline): Uncertain significance. Review status: criteria provided, multiple submitters, no conflicts (2 of 4 stars). 2 submissions from 2 submitters: Uncertain significance (2). Last evaluated 2025-06-22.

Conditions:
Aortic valve disease 2 (AOVD2). Identifiers: MedGen C3542024, MONDO:0013902, OMIM 614823.
Inborn genetic diseases. Identifiers: MedGen C0950123, MeSH D030342.

Allele frequency attached by ClinVar (database versions not stated): TOPMed below 0.00001.

Submissions (2):

Ambry Genetics
Classification: Uncertain significance for Inborn genetic diseases. Last evaluated: 2025-06-22. Review status: criteria provided, single submitter. Criteria: Ambry Variant Classification Scheme 2023. Collection method: clinical testing. Allele origin: germline.
Comment: The p.P144T variant (also known as c.430C>A), located in coding exon 1 of the SMAD6 gene, results from a C to A substitution at nucleotide position 430. The proline at codon 144 is replaced by threonine, an amino acid with highly similar properties. This amino acid position is conserved. In addition, this alteration is predicted to be tolerated by in silico analysis. Based on the available evidence, the clinical significance of this variant remains unclear.

Labcorp Genetics (formerly Invitae), Labcorp
Classification: Uncertain significance for Aortic valve disease 2. Last evaluated: 2023-03-09. Review status: criteria provided, single submitter. Criteria: Invitae Variant Classification Sherloc (09022015). Collection method: clinical testing. Allele origin: germline.
Comment: This sequence change replaces proline, which is neutral and non-polar, with threonine, which is neutral and polar, at codon 144 of the SMAD6 protein (p.Pro144Thr). This variant is not present in population databases (gnomAD no frequency). This variant has not been reported in the literature in individuals affected with SMAD6-related conditions. Advanced modeling of protein sequence and biophysical properties (such as structural, functional, and spatial information, amino acid conservation, physicochemical variation, residue mobility, and thermodynamic stability) performed at Invitae indicates that this missense variant is not expected to disrupt SMAD6 protein function. In summary, the available evidence is currently insufficient to determine the role of this variant in disease. Therefore, it has been classified as a Variant of Uncertain Significance.

NM_005585.5(SMAD6):c.430C>A (p.Pro144Thr)

Gene: SMAD6 (SMAD family member 6; plus strand). Cytogenetic location: 15q22.31.
Variant type: single nucleotide variant.
Coding change: c.430C>A on transcript NM_005585.5 (MANE Select); coding-DNA position 430, C replaced by A.
Protein change: p.Pro144Thr; replaces proline 144 with threonine.
Molecular consequence: missense variant. On other transcripts: non-coding transcript variant (1).
Genome position (GRCh38, 1-based): chr15:66,703,688, C>A. VCF-style: chr15-66703688-C-A. GRCh37 (hg19) VCF-style: chr15-66996026-C-A.
Other names: c.430C>A (NM_005585.4); short protein forms P144T.
Identifiers: ClinVar variation 2983677 (VCV002983677.4), dbSNP rs1893034046, ClinGen allele CA392949541.